The following is an entry in ClinVar:

NM_004655.4(AXIN2):c.1692C>G (p.Thr564=)

Gene: AXIN2 (axin 2; minus strand). Cytogenetic location: 17q24.1.
Variant type: single nucleotide variant.
Coding change: c.1692C>G on transcript NM_004655.4 (MANE Select); coding-DNA position 1692, C replaced by G.
Protein change: p.Thr564=; no amino-acid change (threonine 564 retained).
Molecular consequence: synonymous variant.
Genome position (GRCh38, 1-based): chr17:65,537,344, G>C on the plus strand (C>G on the coding strand, the complement: AXIN2 is on the minus strand). VCF-style: chr17-65537344-G-C. GRCh37 (hg19) VCF-style: chr17-63533462-G-C.
Other names: c.1692C>G, p.Thr564= (NM_001363813.1).
Identifiers: ClinVar variation 739154 (VCV000739154.11), dbSNP rs769069819, ClinGen allele CA8718576.
Genomic context (GRCh38, chr17:65,537,344, plus strand): 5'-CAAGCCCCACACGGGACACTGCGGTCCGCCCGGCACTTACCCAAACTGCTCGCTGGGCAT[G>C]GTTTCCGGAGCCTTGGAGTGGCTTTTGCATTTCGAGTAGCAGTAATACTCGCTGCCCCCA-3'
Protein context (NP_004646.3, residues 554-574): KCKSHSKAPE[Thr564=]MPSEQFGGSR

ClinVar aggregate classification (germline): Benign/Likely benign. Review status: criteria provided, multiple submitters, no conflicts (2 of 4 stars). 3 submissions from 3 submitters: Benign (1); Likely benign (2). Last evaluated 2025-12-08.

Conditions:
Hereditary cancer-predisposing syndrome. Also called: Neoplastic Syndromes, Hereditary; Hereditary Cancer Syndrome; Tumor predisposition; Hereditary neoplastic syndrome. Identifiers: Orphanet 140162, MedGen C0027672, MeSH D009386, MONDO:0015356.
Oligodontia-cancer predisposition syndrome. Also called: TOOTH AGENESIS-COLORECTAL CANCER SYNDROME. Identifiers: Orphanet 300576, MedGen C1837750, MONDO:0012075, OMIM 608615. Disease mechanism: loss of function.

Allele frequency attached by ClinVar (database versions not stated): ExAC 0.00001; gnomAD 0.00001; gnomAD exomes below 0.00001; TOPMed below 0.00001.
gnomAD v4.1: 1 of 1,614,042 alleles (0.000062%); highest among the groups gnomAD compares: African/African-American, 0.0013%; no homozygotes.

Submissions (3):

Labcorp Genetics (formerly Invitae), Labcorp
Classification: Likely benign for Oligodontia-cancer predisposition syndrome. Last evaluated: 2025-12-08. Review status: criteria provided, single submitter. Criteria: Invitae Variant Classification Sherloc (09022015). Collection method: clinical testing. Allele origin: germline.

Myriad Genetics, Inc.
Classification: Benign for Oligodontia-cancer predisposition syndrome. Last evaluated: 2024-07-05. Review status: criteria provided, single submitter. Criteria: Myriad Autosomal Dominant, Autosomal Recessive and X-Linked Classification Criteria (2023). Collection method: clinical testing. Allele origin: unknown.
Comment: This variant is considered benign. This variant is a silent/synonymous amino acid change and it is not expected to impact splicing.

Ambry Genetics
Classification: Likely benign for Hereditary cancer-predisposing syndrome. Last evaluated: 2019-11-11. Review status: criteria provided, single submitter. Criteria: Ambry Variant Classification Scheme 2023. Collection method: clinical testing. Allele origin: germline.